The following is an entry in ClinVar:

NM_019594.4(LRRC8A):c.1648C>T (p.Arg550Trp)

Gene: LRRC8A (leucine rich repeat containing 8 VRAC subunit A; plus strand). Cytogenetic location: 9q34.11.
Variant type: single nucleotide variant.
Coding change: c.1648C>T on transcript NM_019594.4 (MANE Select); coding-DNA position 1648, C replaced by T.
Protein change: p.Arg550Trp; replaces arginine 550 with tryptophan.
Molecular consequence: missense variant.
Genome position (GRCh38, 1-based): chr9:128,908,812, C>T. VCF-style: chr9-128908812-C-T. GRCh37 (hg19) VCF-style: chr9-131671091-C-T.
Other names: c.1648C>T, p.Arg550Trp (NM_001127244.2, NM_001127245.2); c.1648C>T (NM_001127244.1); short protein forms R550W.
Identifiers: ClinVar variation 2976175 (VCV002976175.5), dbSNP rs765803906, ClinGen allele CA5270930.
Genomic context (GRCh38, chr9:128,908,812, plus strand): 5'-GAGAACAACCGCTACATCGTCATCGACGGGCTGCGGGAGCTCAAACGCCTCAAGGTGCTG[C>T]GGCTCAAGAGCAACCTAAGCAAGCTGCCACAGGTGGTCACAGATGTGGGCGTGCACCTGC-3'
Protein context (NP_062540.2, residues 540-560): LRELKRLKVL[Arg550Trp]LKSNLSKLPQ

ClinVar aggregate classification (germline): Conflicting classifications of pathogenicity. Review status: criteria provided, conflicting classifications (1 of 4 stars). 3 submissions from 3 submitters: Uncertain significance (2); Likely benign (1). Last evaluated 2025-04-16.

Allele frequency attached by ClinVar (database versions not stated): ExAC 0.00001; gnomAD 0.00001; gnomAD exomes 0.00001; TOPMed 0.00001.
gnomAD v4.1: 24 of 1,613,404 alleles (0.0015%); highest among the groups gnomAD compares: South Asian, 0.0066%; no homozygotes.

Submissions (3):

Ambry Genetics
Classification: Uncertain significance. Last evaluated: 2025-04-16. Review status: criteria provided, single submitter. Criteria: Ambry Variant Classification Scheme 2023. Collection method: clinical testing. Allele origin: germline.

Labcorp Genetics (formerly Invitae), Labcorp
Classification: Uncertain significance. Last evaluated: 2024-11-05. Review status: criteria provided, single submitter. Criteria: Invitae Variant Classification Sherloc (09022015). Collection method: clinical testing. Allele origin: germline.
Comment: This sequence change replaces arginine, which is basic and polar, with tryptophan, which is neutral and slightly polar, at codon 550 of the LRRC8A protein (p.Arg550Trp). This variant is present in population databases (rs765803906, gnomAD 0.006%). This variant has not been reported in the literature in individuals affected with LRRC8A-related conditions. ClinVar contains an entry for this variant (Variation ID: 2976175). An algorithm developed to predict the effect of missense changes on protein structure and function (PolyPhen-2) suggests that this variant is likely to be disruptive. In summary, the available evidence is currently insufficient to determine the role of this variant in disease. Therefore, it has been classified as a Variant of Uncertain Significance.

Blueprint Genetics
Classification: Likely benign. Last evaluated: 2022-10-20. Review status: criteria provided, single submitter. Criteria: ACMG Guidelines, 2015. Collection method: clinical testing. Allele origin: germline.